The following is an entry in ClinVar:

ClinVar aggregate classification (germline): Uncertain significance (1 of 4 stars; one submission).

Submission:

GeneDx
Classification: Uncertain significance. Last evaluated: 2025-03-24. Review status: criteria provided, single submitter. Criteria: GeneDx Variant Classification Process June 2021. Collection method: clinical testing. Allele origin: germline. Affected: yes.
Comment: Not observed at significant frequency in large population cohorts (gnomAD); In silico analysis indicates that this missense variant does not alter protein structure/function; Has not been previously published as pathogenic or benign to our knowledge

NM_212482.4(FN1):c.1568T>C (p.Ile523Thr)

Genes: FN1 (fibronectin 1; minus strand), LOC122861289 (Sharpr-MPRA regulatory region 10603; plus strand). Cytogenetic location: 2q35.
Variant type: single nucleotide variant.
Coding change: c.1568T>C on transcript NM_212482.4 (MANE Select); coding-DNA position 1568, T replaced by C.
Protein change: p.Ile523Thr; replaces isoleucine 523 with threonine.
Molecular consequence: missense variant.
Genome position (GRCh38, 1-based): chr2:215,420,780, A>G on the plus strand (T>C on the coding strand, the complement: FN1 is on the minus strand). VCF-style: chr2-215420780-A-G. GRCh37 (hg19) VCF-style: chr2-216285503-A-G.
Other names: c.1568T>C, p.Ile523Thr (NM_001306129.2, NM_001306130.2, NM_001306131.2 and 14 more transcripts); short protein forms I523T.
Identifiers: ClinVar variation 4087878 (VCV004087878.1).